The following is an entry in ClinVar:

ClinVar aggregate classification (germline): Uncertain significance (1 of 4 stars; one submission).

Conditions:
Familial cold autoinflammatory syndrome 3 (FCAS3). Also called: ANTIBODY DEFICIENCY AND IMMUNE DYSREGULATION, PLCG2-ASSOCIATED; FAMILIAL ATYPICAL COLD URTICARIA. Identifiers: Orphanet 300359, MedGen C3280914, MONDO:0013766, OMIM 614468.

gnomAD v4.1: 3 of 1,603,240 alleles (0.00019%); highest among the groups gnomAD compares: Non-Finnish European, 0.00026%; no homozygotes.

Submission:

Labcorp Genetics (formerly Invitae), Labcorp
Classification: Uncertain significance for Familial cold autoinflammatory syndrome 3. Last evaluated: 2025-06-01. Review status: criteria provided, single submitter. Criteria: Invitae Variant Classification Sherloc (09022015). Collection method: clinical testing. Allele origin: germline.
Comment: This sequence change replaces glutamine, which is neutral and polar, with histidine, which is basic and polar, at codon 838 of the PLCG2 protein (p.Gln838His). This variant also falls at the last nucleotide of exon 23, which is part of the consensus splice site for this exon. This variant is not present in population databases (gnomAD no frequency). This variant has not been reported in the literature in individuals affected with PLCG2-related conditions. An algorithm developed to predict the effect of missense changes on protein structure and function (PolyPhen-2) suggests that this variant is likely to be disruptive. Variants that disrupt the consensus splice site are a relatively common cause of aberrant splicing (PMID: 17576681, 9536098). In summary, the available evidence is currently insufficient to determine the role of this variant in disease. Therefore, it has been classified as a Variant of Uncertain Significance.

Literature cited by the submitters: PubMed 17576681; PubMed 9536098.

NM_002661.5(PLCG2):c.2514G>C (p.Gln838His)

Gene: PLCG2 (phospholipase C gamma 2; plus strand). Cytogenetic location: 16q23.3.
Variant type: single nucleotide variant.
Coding change: c.2514G>C on transcript NM_002661.5 (MANE Select); coding-DNA position 2514, G replaced by C.
Protein change: p.Gln838His; replaces glutamine 838 with histidine.
Molecular consequence: missense variant.
Genome position (GRCh38, 1-based): chr16:81,927,178, G>C. VCF-style: chr16-81927178-G-C. GRCh37 (hg19) VCF-style: chr16-81960783-G-C.
Other names: c.2514G>C, p.Gln838His (NM_001425749.1, NM_001425750.1, NM_001425751.1); short protein forms Q838H.
Identifiers: ClinVar variation 4753631 (VCV004753631.1).